The following is an entry in ClinVar:

NM_139076.3(ABRAXAS1):c.1058A>G (p.Asp353Gly)

Gene: ABRAXAS1 (abraxas 1, BRCA1 A complex subunit; minus strand). Cytogenetic location: 4q21.23.
Variant type: single nucleotide variant.
Coding change: c.1058A>G on transcript NM_139076.3 (MANE Select); coding-DNA position 1058, A replaced by G.
Protein change: p.Asp353Gly; replaces aspartic acid 353 with glycine.
Molecular consequence: missense variant.
Genome position (GRCh38, 1-based): chr4:83,462,641, T>C on the plus strand (A>G on the coding strand, the complement: ABRAXAS1 is on the minus strand). VCF-style: chr4-83462641-T-C. GRCh37 (hg19) VCF-style: chr4-84383794-T-C.
Other names: c.731A>G, p.Asp244Gly (NM_001345962.2); c.1058A>G (NM_139076.2); short protein forms D353G, D244G.
Identifiers: ClinVar variation 2861068 (VCV002861068.5), dbSNP rs762929045, ClinGen allele CA2990386.

ClinVar aggregate classification (germline): Uncertain significance. Review status: criteria provided, multiple submitters, no conflicts (2 of 4 stars). 3 submissions from 3 submitters: Uncertain significance (3). Last evaluated 2026-06-15.

Allele frequency attached by ClinVar (database versions not stated): ExAC 0.00001.

Submissions (3):

Women's Health and Genetics/Laboratory Corporation of America, LabCorp
Classification: Uncertain significance. Last evaluated: 2026-06-15. Review status: criteria provided, single submitter. Criteria: LabCorp Variant Classification Summary - May 2015. Collection method: clinical testing. Allele origin: germline.

Ambry Genetics
Classification: Uncertain significance. Last evaluated: 2025-11-11. Review status: criteria provided, single submitter. Criteria: Ambry Variant Classification Scheme 2023. Collection method: clinical testing. Allele origin: germline.
Comment: The p.D353G variant (also known as c.1058A>G), located in coding exon 9 of the FAM175A gene, results from an A to G substitution at nucleotide position 1058. The aspartic acid at codon 353 is replaced by glycine, an amino acid with similar properties. This amino acid position is conserved. In addition, this alteration is predicted to be tolerated by in silico analysis. Based on the available evidence, the clinical significance of this variant remains unclear.

Labcorp Genetics (formerly Invitae), Labcorp
Classification: Uncertain significance. Last evaluated: 2023-05-02. Review status: criteria provided, single submitter. Criteria: Invitae Variant Classification Sherloc (09022015). Collection method: clinical testing. Allele origin: germline.
Comment: This sequence change replaces aspartic acid, which is acidic and polar, with glycine, which is neutral and non-polar, at codon 353 of the ABRAXAS1 protein (p.Asp353Gly). In summary, the available evidence is currently insufficient to determine the role of this variant in disease. Therefore, it has been classified as a Variant of Uncertain Significance. Algorithms developed to predict the effect of missense changes on protein structure and function output the following: SIFT: "Not Available"; PolyPhen-2: "Benign"; Align-GVGD: "Not Available". The glycine amino acid residue is found in multiple mammalian species, which suggests that this missense change does not adversely affect protein function. This variant has not been reported in the literature in individuals affected with ABRAXAS1-related conditions. This variant is present in population databases (rs762929045, gnomAD 0.0009%).